The following is an entry in ClinVar:

ClinVar aggregate classification (germline): Uncertain significance (1 of 4 stars; one submission).

Conditions:
Charcot-Marie-Tooth disease axonal type 2O. Also called: CHARCOT-MARIE-TOOTH NEUROPATHY, AXONAL, TYPE 2O; CHARCOT-MARIE-TOOTH DISEASE, AXONAL, AUTOSOMAL DOMINANT, TYPE 2O; Charcot-Marie-Tooth Neuropathy Type 2O; Charcot-Marie-Tooth disease, axonal, type 20. Identifiers: Orphanet 284232, MedGen C3280220, MONDO:0013644, OMIM 614228.

Submission:

Labcorp Genetics (formerly Invitae), Labcorp
Classification: Uncertain significance for Charcot-Marie-Tooth disease axonal type 2O. Last evaluated: 2025-02-12. Review status: criteria provided, single submitter. Criteria: Invitae Variant Classification Sherloc (09022015). Collection method: clinical testing. Allele origin: germline.
Comment: This sequence change creates a premature translational stop signal (p.Gln3826*) in the DYNC1H1 gene. It is expected to result in an absent or disrupted protein product. However, the current clinical and genetic evidence is not sufficient to establish whether loss-of-function variants in DYNC1H1 cause disease. This variant is not present in population databases (gnomAD no frequency). This variant has not been reported in the literature in individuals affected with DYNC1H1-related conditions. In summary, the available evidence is currently insufficient to determine the role of this variant in disease. Therefore, it has been classified as a Variant of Uncertain Significance.

NM_001376.5(DYNC1H1):c.11476C>T (p.Gln3826Ter)

Gene: DYNC1H1 (dynein cytoplasmic 1 heavy chain 1; plus strand). Cytogenetic location: 14q32.31.
Variant type: single nucleotide variant.
Coding change: c.11476C>T on transcript NM_001376.5 (MANE Select); coding-DNA position 11476, C replaced by T.
Protein change: p.Gln3826Ter; replaces glutamine 3826 with a stop codon.
Molecular consequence: nonsense.
Genome position (GRCh38, 1-based): chr14:102,039,427, C>T. VCF-style: chr14-102039427-C-T. GRCh37 (hg19) VCF-style: chr14-102505764-C-T.
Other names: short protein forms Q3826*.
Identifiers: ClinVar variation 3652631 (VCV003652631.2).
Genomic context (GRCh38, chr14:102,039,427, plus strand): 5'-GGTGCCGAGGGAGCTGCCTCACCGCTGCCCACTGCTTCCTTTCAGATACACTTCTTGTAC[C>T]AGTACTCCCTCCAGTTTTTCCTGGACATTTATCACAACGTCCTATACGAGAACCCGAACC-3'